The following is an entry in ClinVar:

ClinVar aggregate classification (germline): Uncertain significance (1 of 4 stars; one submission).

Submission:

Labcorp Genetics (formerly Invitae), Labcorp
Classification: Uncertain significance. Last evaluated: 2022-10-17. Review status: criteria provided, single submitter. Criteria: Invitae Variant Classification Sherloc (09022015). Collection method: clinical testing. Allele origin: germline.
Comment: This sequence change replaces valine, which is neutral and non-polar, with leucine, which is neutral and non-polar, at codon 71 of the EDNRB protein (p.Val71Leu). This variant is not present in population databases (gnomAD no frequency). This variant has not been reported in the literature in individuals affected with EDNRB-related conditions. ClinVar contains an entry for this variant (Variation ID: 1365811). Algorithms developed to predict the effect of missense changes on protein structure and function (SIFT, PolyPhen-2, Align-GVGD) all suggest that this variant is likely to be tolerated. In summary, the available evidence is currently insufficient to determine the role of this variant in disease. Therefore, it has been classified as a Variant of Uncertain Significance.

NM_001122659.3(EDNRB):c.211G>C (p.Val71Leu)

Gene: EDNRB (endothelin receptor type B; minus strand). Cytogenetic location: 13q22.3.
Variant type: single nucleotide variant.
Coding change: c.211G>C on transcript NM_001122659.3 (MANE Select); coding-DNA position 211, G replaced by C.
Protein change: p.Val71Leu; replaces valine 71 with leucine.
Molecular consequence: missense variant.
Genome position (GRCh38, 1-based): chr13:77,918,363, C>G on the plus strand (G>C on the coding strand, the complement: EDNRB is on the minus strand). VCF-style: chr13-77918363-C-G. GRCh37 (hg19) VCF-style: chr13-78492498-C-G.
Other names: c.211G>C, p.Val71Leu (NM_000115.5, NM_003991.4); c.481G>C, p.Val161Leu (NM_001201397.2); short protein forms V161L, V71L.
Identifiers: ClinVar variation 1365811 (VCV001365811.6), dbSNP rs2137639877, ClinGen allele CA388452815.
Genomic context (GRCh38, chr13:77,918,363, plus strand): 5'-GGCACGGGGGAGGGGAGATGGTGCGTGGCGGAGATCCTGCCGTCCTGTCTCCTTTAGGCA[C>G]CTCCGCAGGTGCCAACGACCGCGCCAGACTGGCGTTGGAACCCTTGGGCCATAAGGTCTT-3'
Protein context (NP_001116131.1, residues 61-81): SLARSLAPAE[Val71Leu]PKGDRTAGSP